The following is an entry in ClinVar:

NM_005228.5(EGFR):c.1082A>G (p.Asn361Ser)

Genes: EGFR (epidermal growth factor receptor; plus strand), LOC126860048 (P300/CBP strongly-dependent group 1 enhancer GRCh37_chr7:55223847-55225046; plus strand). Cytogenetic location: 7p11.2.
Variant type: single nucleotide variant.
Coding change: c.1082A>G on transcript NM_005228.5 (MANE Select); coding-DNA position 1082, A replaced by G.
Protein change: p.Asn361Ser; replaces asparagine 361 with serine.
Molecular consequence: missense variant.
Genome position (GRCh38, 1-based): chr7:55,156,608, A>G. VCF-style: chr7-55156608-A-G. GRCh37 (hg19) VCF-style: chr7-55224301-A-G.
Other names: c.947A>G, p.Asn316Ser (NM_001346897.2, NM_001346899.2); c.1082A>G, p.Asn361Ser (NM_001346898.2, NM_201282.2, NM_201283.2 and 1 more transcripts); c.923A>G, p.Asn308Ser (NM_001346900.2); c.281A>G, p.Asn94Ser (NM_001346941.2); short protein forms N361S, N94S, N308S, N316S.
Identifiers: ClinVar variation 2835235 (VCV002835235.3), dbSNP rs2128938327, ClinGen allele CA367578356.
Genomic context (GRCh38, chr7:55,156,608, plus strand): 5'-GTATTGGTGAATTTAAAGACTCACTCTCCATAAATGCTACGAATATTAAACACTTCAAAA[A>G]CTGCACCTCCATCAGTGGCGATCTCCACATCCTGCCGGTGGCATTTAGGGGGTGAGTCAC-3'
Protein context (NP_005219.2, residues 351-371): INATNIKHFK[Asn361Ser]CTSISGDLHI

ClinVar aggregate classification (germline): Uncertain significance (1 of 4 stars; one submission).

Conditions:
EGFR-related lung cancer (EGFR). Identifiers: MedGen CN130014.

Submission:

Labcorp Genetics (formerly Invitae), Labcorp
Classification: Uncertain significance for EGFR-related lung cancer. Last evaluated: 2023-02-10. Review status: criteria provided, single submitter. Criteria: Invitae Variant Classification Sherloc (09022015). Collection method: clinical testing. Allele origin: germline.
Comment: In summary, the available evidence is currently insufficient to determine the role of this variant in disease. Therefore, it has been classified as a Variant of Uncertain Significance. Advanced modeling of protein sequence and biophysical properties (such as structural, functional, and spatial information, amino acid conservation, physicochemical variation, residue mobility, and thermodynamic stability) performed at Invitae indicates that this missense variant is expected to disrupt EGFR protein function. This variant has not been reported in the literature in individuals affected with EGFR-related conditions. This variant is not present in population databases (gnomAD no frequency). This sequence change replaces asparagine, which is neutral and polar, with serine, which is neutral and polar, at codon 361 of the EGFR protein (p.Asn361Ser).